The following is an entry in ClinVar:

NM_031935.3(HMCN1):c.8449C>T (p.Pro2817Ser)

Gene: HMCN1 (hemicentin 1; plus strand). Cytogenetic location: 1q31.1.
Variant type: single nucleotide variant.
Coding change: c.8449C>T on transcript NM_031935.3 (MANE Select); coding-DNA position 8449, C replaced by T.
Protein change: p.Pro2817Ser; replaces proline 2817 with serine.
Molecular consequence: missense variant.
Genome position (GRCh38, 1-based): chr1:186,076,586, C>T. VCF-style: chr1-186076586-C-T. GRCh37 (hg19) VCF-style: chr1-186045718-C-T.
Other names: short protein forms P2817S.
Identifiers: ClinVar variation 3612464 (VCV003612464.2).

ClinVar aggregate classification (germline): Uncertain significance (1 of 4 stars; one submission).

gnomAD v4.1: 1 of 1,613,752 alleles (0.000062%); highest among the groups gnomAD compares: East Asian, 0.0022%; no homozygotes.

Submission:

Labcorp Genetics (formerly Invitae), Labcorp
Classification: Uncertain significance. Last evaluated: 2025-11-18. Review status: criteria provided, single submitter. Criteria: Invitae Variant Classification Sherloc (09022015). Collection method: clinical testing. Allele origin: germline.
Comment: This sequence change replaces proline, which is neutral and non-polar, with serine, which is neutral and polar, at codon 2817 of the HMCN1 protein (p.Pro2817Ser). This variant is not present in population databases (gnomAD no frequency). This variant has not been reported in the literature in individuals affected with HMCN1-related conditions. ClinVar contains an entry for this variant (Variation ID: 3612464). An algorithm developed to predict the effect of missense changes on protein structure and function (PolyPhen-2) suggests that this variant is likely to be disruptive. In summary, the available evidence is currently insufficient to determine the role of this variant in disease. Therefore, it has been classified as a Variant of Uncertain Significance.